The following is an entry in ClinVar:

NM_144670.6(A2ML1):c.332A>G (p.Lys111Arg)

Genes: A2ML1 (alpha-2-macroglobulin like 1; plus strand), A2ML1-AS1 (A2ML1 antisense RNA 1; minus strand). Cytogenetic location: 12p13.31.
Variant type: single nucleotide variant.
Coding change: c.332A>G on transcript NM_144670.6 (MANE Select); coding-DNA position 332, A replaced by G.
Protein change: p.Lys111Arg; replaces lysine 111 with arginine.
Molecular consequence: missense variant.
Genome position (GRCh38, 1-based): chr12:8,823,805, A>G. VCF-style: chr12-8823805-A-G. GRCh37 (hg19) VCF-style: chr12-8976401-A-G.
Other names: short protein forms K111R.
Identifiers: ClinVar variation 3229200 (VCV003229200.1), dbSNP rs201364396, ClinGen allele CA232653034.

ClinVar aggregate classification (germline): Uncertain significance (1 of 4 stars; one submission).

Allele frequency attached by ClinVar (database versions not stated): gnomAD 0.00001; 1000 Genomes Project 30x 0.00031.
gnomAD v4.1: 7 of 1,614,130 alleles (0.00043%); highest among the groups gnomAD compares: Non-Finnish European, 0.00051%; no homozygotes.

Submission:

Ambry Genetics
Classification: Uncertain significance. Last evaluated: 2023-09-22. Review status: criteria provided, single submitter. Criteria: Ambry Variant Classification Scheme 2023. Collection method: clinical testing. Allele origin: germline.
Comment: The p.K111R variant (also known as c.332A>G), located in coding exon 3 of the A2ML1 gene, results from an A to G substitution at nucleotide position 332. The lysine at codon 111 is replaced by arginine, an amino acid with highly similar properties. This amino acid position is conserved. In addition, this alteration is predicted to be tolerated by in silico analysis. Since supporting evidence is limited at this time, the clinical significance of this alteration remains unclear.